The following is an entry in ClinVar:

NM_015629.4(PRPF31):c.238+1G>A

Gene: PRPF31 (pre-mRNA processing factor 31; plus strand). Cytogenetic location: 19q13.42.
Variant type: single nucleotide variant.
Coding change: c.238+1G>A on transcript NM_015629.4 (MANE Select); the canonical splice donor site of the intron after coding-DNA position 238, G replaced by A.
Molecular consequence: splice donor variant.
Genome position (GRCh38, 1-based): chr19:54,118,634, G>A. VCF-style: chr19-54118634-G-A. GRCh37 (hg19) VCF-style: chr19-54622014-G-A.
Identifiers: ClinVar variation 2152321 (VCV002152321.6), dbSNP rs779270349, ClinGen allele CA407790800.

ClinVar aggregate classification (germline): Pathogenic. Review status: criteria provided, multiple submitters, no conflicts (2 of 4 stars). 3 submissions from 3 submitters: Pathogenic (3). Last evaluated 2023-11-09.

Conditions:
Retinal dystrophy. Also called: Inherited retinal dystrophy. Identifiers: Orphanet 71862, MedGen C0854723, MeSH D058499, MONDO:0019118, HP:0000556.
Retinitis pigmentosa 11 (RP11). Identifiers: Orphanet 791, MedGen C1838601, MONDO:0010828, OMIM 600138.

Submissions (3):

3billion
Classification: Pathogenic for Retinitis pigmentosa 11. Last evaluated: 2023-11-09. Review status: criteria provided, single submitter. Criteria: ACMG Guidelines, 2015. Collection method: clinical testing. Allele origin: germline. Affected: yes.
Comment: The variant is not observed in the gnomAD v2.1.1 dataset. Predicted Consequence/Location: Canonical splice site: predicted to alter splicing and result in a loss or disruption of normal protein function. Multiple pathogenic loss-of-function variants are reported downstream of the variant. The variant has been reported to be associated with PRPF31 related disorder (ClinVar ID: VCV002152321 /PMID: 28157192). Therefore, this variant is classified as Pathogenic according to the recommendation of ACMG/AMP guideline.

Labcorp Genetics (formerly Invitae), Labcorp
Classification: Pathogenic. Last evaluated: 2022-01-13. Review status: criteria provided, single submitter. Criteria: Invitae Variant Classification Sherloc (09022015). Collection method: clinical testing. Allele origin: germline.
Comment: For these reasons, this variant has been classified as Pathogenic. Algorithms developed to predict the effect of sequence changes on RNA splicing suggest that this variant may disrupt the consensus splice site. Disruption of this splice site has been observed in individuals with PRPF31-related conditions (PMID: 28157192; Invitae). This variant is not present in population databases (gnomAD no frequency). This sequence change affects a donor splice site in intron 3 of the PRPF31 gene. It is expected to disrupt RNA splicing. Variants that disrupt the donor or acceptor splice site typically lead to a loss of protein function (PMID: 16199547), and loss-of-function variants in PRPF31 are known to be pathogenic (PMID: 18317597, 23950152).

Institute of Human Genetics, Univ. Regensburg, Univ. Regensburg
Classification: Pathogenic for Retinal dystrophy. Last evaluated: 2020-01-01. Review status: criteria provided, single submitter. Criteria: ACMG Guidelines, 2015. Collection method: clinical testing. Allele origin: germline. Affected: yes.

Literature cited by the submitters: PubMed 28157192 (cited by 3 submitters); PubMed 16199547 (cited by Labcorp Genetics (formerly Invitae), Labcorp); PubMed 18317597 (cited by Labcorp Genetics (formerly Invitae), Labcorp); PubMed 23950152 (cited by Labcorp Genetics (formerly Invitae), Labcorp).